The following is an entry in ClinVar:

NM_001211.6(BUB1B):c.2933G>T (p.Trp978Leu)

Genes: BUB1B (BUB1 mitotic checkpoint serine/threonine kinase B; plus strand), BUB1B-PAK6 (BUB1B-PAK6 readthrough; plus strand). Cytogenetic location: 15q15.1.
Variant type: single nucleotide variant.
Coding change: c.2933G>T on transcript NM_001211.6 (MANE Select); coding-DNA position 2933, G replaced by T.
Protein change: p.Trp978Leu; replaces tryptophan 978 with leucine.
Molecular consequence: missense variant. On other transcripts: intron variant (2).
Genome position (GRCh38, 1-based): chr15:40,218,538, G>T. VCF-style: chr15-40218538-G-T. GRCh37 (hg19) VCF-style: chr15-40510739-G-T.
Other names: c.-201+871G>T (NM_001128628.3); c.-118+871G>T (NM_001128629.3); short protein forms W978L.
Identifiers: ClinVar variation 1434682 (VCV001434682.7), dbSNP rs1191638586, ClinGen allele CA391688362.

ClinVar aggregate classification (germline): Uncertain significance. Review status: criteria provided, multiple submitters, no conflicts (2 of 4 stars). 2 submissions from 2 submitters: Uncertain significance (2). Last evaluated 2024-07-13.

Conditions:
Inborn genetic diseases. Identifiers: MedGen C0950123, MeSH D030342.
Mosaic variegated aneuploidy syndrome 1 (MVA1). Also called: Warburton-Anyane-Yeboa syndrome. Identifiers: Orphanet 1052, MedGen C1850343, MONDO:0009759, OMIM 257300.

Allele frequency attached by ClinVar (database versions not stated): TOPMed below 0.00001; gnomAD 0.00001.
gnomAD v4.1: 2 of 1,613,488 alleles (0.00012%); highest among the groups gnomAD compares: African/African-American, 0.0027%; no homozygotes.

Submissions (2):

Ambry Genetics
Classification: Uncertain significance for Inborn genetic diseases. Last evaluated: 2024-07-13. Review status: criteria provided, single submitter. Criteria: Ambry Variant Classification Scheme 2023. Collection method: clinical testing. Allele origin: germline.
Comment: The p.W978L variant (also known as c.2933G>T), located in coding exon 22 of the BUB1B gene, results from a G to T substitution at nucleotide position 2933. The tryptophan at codon 978 is replaced by leucine, an amino acid with similar properties. This amino acid position is conserved. In addition, the in silico prediction for this alteration is inconclusive. Based on the available evidence, the clinical significance of this variant remains unclear.

Labcorp Genetics (formerly Invitae), Labcorp
Classification: Uncertain significance for Mosaic variegated aneuploidy syndrome 1. Last evaluated: 2021-12-11. Review status: criteria provided, single submitter. Criteria: Invitae Variant Classification Sherloc (09022015). Collection method: clinical testing. Allele origin: germline.
Comment: This sequence change replaces tryptophan, which is neutral and slightly polar, with leucine, which is neutral and non-polar, at codon 978 of the BUB1B protein (p.Trp978Leu). This variant is present in population databases (no rsID available, gnomAD 0.01%). This variant has not been reported in the literature in individuals affected with BUB1B-related conditions. Algorithms developed to predict the effect of missense changes on protein structure and function (SIFT, PolyPhen-2, Align-GVGD) all suggest that this variant is likely to be tolerated. In summary, the available evidence is currently insufficient to determine the role of this variant in disease. Therefore, it has been classified as a Variant of Uncertain Significance.